The following is an entry in ClinVar:

ClinVar aggregate classification (germline): Uncertain significance (1 of 4 stars; one submission).

Submission:

Ambry Genetics
Classification: Uncertain significance. Last evaluated: 2025-11-19. Review status: criteria provided, single submitter. Criteria: Ambry Variant Classification Scheme 2023. Collection method: clinical testing. Allele origin: germline.
Comment: The p.T1140I variant (also known as c.3419C>T), located in coding exon 30 of the KIF1B gene, results from a C to T substitution at nucleotide position 3419. The threonine at codon 1140 is replaced by isoleucine, an amino acid with similar properties. This amino acid position is conserved. In addition, this alteration is predicted to be tolerated by in silico analysis. Based on the available evidence, the clinical significance of this variant remains unclear.

NM_001365951.3(KIF1B):c.3557C>T (p.Thr1186Ile)

Gene: KIF1B (kinesin family member 1B; plus strand). Cytogenetic location: 1p36.22.
Variant type: single nucleotide variant.
Coding change: c.3557C>T on transcript NM_001365951.3 (MANE Select); coding-DNA position 3557, C replaced by T.
Protein change: p.Thr1186Ile; replaces threonine 1186 with isoleucine.
Molecular consequence: missense variant.
Genome position (GRCh38, 1-based): chr1:10,342,093, C>T. VCF-style: chr1-10342093-C-T. GRCh37 (hg19) VCF-style: chr1-10402151-C-T.
Other names: c.3557C>T, p.Thr1186Ile (NM_001365952.1); c.3419C>T, p.Thr1140Ile (NM_015074.3); short protein forms T1140I, T1186I.
Identifiers: ClinVar variation 4543677 (VCV004543677.1).